The following is an entry in ClinVar:

NM_004385.5(VCAN):c.6723A>G (p.Arg2241=)

Genes: VCAN (versican; plus strand), VCAN-AS1 (VCAN antisense RNA 1; minus strand). Cytogenetic location: 5q14.3.
Variant type: single nucleotide variant.
Coding change: c.6723A>G on transcript NM_004385.5 (MANE Select); coding-DNA position 6723, A replaced by G.
Protein change: p.Arg2241=; no amino-acid change (arginine 2241 retained).
Molecular consequence: synonymous variant. On other transcripts: intron variant (2).
Genome position (GRCh38, 1-based): chr5:83,539,726, A>G. VCF-style: chr5-83539726-A-G. GRCh37 (hg19) VCF-style: chr5-82835545-A-G.
Other names: c.3762A>G, p.Arg1254= (NM_001164097.2); c.4004-5811A>G (NM_001164098.2); c.1043-5811A>G (NM_001126336.3).
Identifiers: ClinVar variation 198797 (VCV000198797.22), dbSNP rs160279, ClinGen allele CA203610.

ClinVar aggregate classification (germline): Benign. Review status: criteria provided, multiple submitters, no conflicts (2 of 4 stars). 7 submissions from 7 submitters: Benign (7). Last evaluated 2026-02-04.

Conditions:
Wagner disease. Also called: WAGNER SYNDROME 1; Wagner syndrome; WAGNER VITREORETINOPATHY; Wagner Vitreoretinal Degeneration (Wagner Synrdome); HYALOIDEORETINAL DEGENERATION OF WAGNER; WAGNER VITREORETINAL DEGENERATION. Identifiers: Orphanet 898, MedGen C1840452, MONDO:0007740, OMIM 143200.
Vitreoretinopathy. Also called: Vitreoretinal degeneration. Identifiers: MedGen C0344290, MONDO:0020248, HP:0007773.

Allele frequency attached by ClinVar (database versions not stated): 1000 Genomes Project 0.47045; 1000 Genomes Project 30x 0.48032; ExAC 0.48349; gnomAD exomes 0.48397 and 0.48497; ESP Exome Variant Server 0.49700; gnomAD 0.49803 and 0.50384; TOPMed 0.49866.
gnomAD v4.1: 782,988 of 1,613,372 alleles (49%); highest among the groups gnomAD compares: Admixed American, 52%; 190,803 homozygotes.

Submissions (7):

Labcorp Genetics (formerly Invitae), Labcorp
Classification: Benign. Last evaluated: 2026-02-04. Review status: criteria provided, single submitter. Criteria: Invitae Variant Classification Sherloc (09022015). Collection method: clinical testing. Allele origin: germline.

Blueprint Genetics
Classification: Benign. Last evaluated: 2024-11-27. Review status: criteria provided, single submitter. Criteria: ACMG Guidelines, 2015. Collection method: clinical testing. Allele origin: germline.

Genome-Nilou Lab
Classification: Benign for Wagner disease. Last evaluated: 2021-12-05. Review status: criteria provided, single submitter. Criteria: ACMG Guidelines, 2015. Collection method: clinical testing. Allele origin: germline. Affected: no.

GeneDx
Classification: Benign. Last evaluated: 2020-09-01. Review status: criteria provided, single submitter. Criteria: GeneDx Variant Classification Process June 2021. Collection method: clinical testing. Allele origin: germline. Affected: yes.

Illumina Laboratory Services, Illumina
Classification: Benign for Vitreoretinopathy. Last evaluated: 2018-01-12. Review status: criteria provided, single submitter. Criteria: ICSL Variant Classification Criteria 13 December 2019. Collection method: clinical testing. Allele origin: germline.
Comment: This variant was observed in the ICSL laboratory as part of a predisposition screen in an ostensibly healthy population. It had not been previously curated by ICSL or reported in the Human Gene Mutation Database (HGMD: prior to June 1st, 2018), and was therefore a candidate for classification through an automated scoring system. Utilizing variant allele frequency, disease prevalence and penetrance estimates, and inheritance mode, an automated score was calculated to assess if this variant is too frequent to cause the disease. Based on the score and internal cut-off values, a variant classified as benign is not then subjected to further curation. The score for this variant resulted in a classification of benign for this disease.

Eurofins Ntd Llc (ga)
Classification: Benign. Last evaluated: 2014-06-12. Review status: criteria provided, single submitter. Criteria: EGL Classification Definitions 2015. Collection method: clinical testing. Allele origin: germline. Observed: 4 variant alleles, 4 heterozygotes.

PreventionGenetics, part of Exact Sciences
Classification: Benign. Review status: criteria provided, single submitter. Criteria: ACMG Guidelines, 2015. Collection method: clinical testing. Allele origin: germline.